The following is an entry in ClinVar:

ClinVar aggregate classification (germline): Pathogenic (1 of 4 stars; one submission).

Conditions:
PRPH2-related disorder. Also called: PRPH2-related condition; PRPH2-related disorders. Identifiers: MedGen CN239395.

Submission:

Labcorp Genetics (formerly Invitae), Labcorp
Classification: Pathogenic for PRPH2-related disorder. Last evaluated: 2024-04-25. Review status: criteria provided, single submitter. Criteria: Invitae Variant Classification Sherloc (09022015). Collection method: clinical testing. Allele origin: germline.
Comment: This sequence change creates a premature translational stop signal (p.Glu314Cysfs*12) in the PRPH2 gene. While this is not anticipated to result in nonsense mediated decay, it is expected to disrupt the last 33 amino acid(s) of the PRPH2 protein. This variant is not present in population databases (gnomAD no frequency). This variant has not been reported in the literature in individuals affected with PRPH2-related conditions. ClinVar contains an entry for this variant (Variation ID: 938075). This variant disrupts a region of the PRPH2 protein in which other variant(s) (p.Val332Glu) have been determined to be pathogenic (PMID: 30718709, 32531846; Invitae). This suggests that this is a clinically significant region of the protein, and that variants that disrupt it are likely to be disease-causing. For these reasons, this variant has been classified as Pathogenic.

Literature cited by the submitters: PubMed 30718709; PubMed 32531846.

NM_000322.5(PRPH2):c.935_939dup (p.Glu314fs)

Gene: PRPH2 (peripherin 2; minus strand). Cytogenetic location: 6p21.1.
Variant type: Duplication.
Coding change: c.935_939dup on transcript NM_000322.5 (MANE Select); coding-DNA positions 935 to 939, 5 bases duplicated (TGCCG; older notation c.935_939dupTGCCG).
Protein change: p.Glu314fs; shifts the reading frame from glutamic acid 314.
Molecular consequence: frameshift variant.
Genome position (GRCh38, 1-based): chr6:42,698,397-42,698,401, CGGCA duplicated on the plus strand (TGCCG on the coding strand, the reverse complement: PRPH2 is on the minus strand); duplicating any 5 consecutive bases within chr6:42,698,397-42,698,403 gives the same sequence; the c. name uses the placement nearest the transcript's 3' end. VCF-style (leftmost placement, unchanged base first): chr6-42698396-C-CCGGCA. GRCh37 (hg19) VCF-style: chr6-42666134-C-CCGGCA.
Other names: short protein forms E314fs.
Identifiers: ClinVar variation 938075 (VCV000938075.9), dbSNP rs1799986394, ClinGen allele CA1139659513.